The following is an entry in ClinVar:

ClinVar aggregate classification (germline): Likely benign (0 of 4 stars; one submission).

Conditions:
CRB2-related disorder. Also called: CRB2-related disorders; CRB2-related condition.

Allele frequency attached by ClinVar (database versions not stated): gnomAD 0.00004; TOPMed 0.00005; ExAC 0.00010; gnomAD exomes 0.00014; 1000 Genomes Project 0.00040; 1000 Genomes Project 30x 0.00047.
gnomAD v4.1: 209 of 1,608,388 alleles (0.013%); highest among the groups gnomAD compares: Middle Eastern, 0.021%; no homozygotes.

Submission:

PreventionGenetics, part of Exact Sciences
Classification: Likely benign for CRB2-related condition. Last evaluated: 2021-02-16. Review status: no assertion criteria provided. Collection method: clinical testing. Allele origin: germline.
Comment: This variant is classified as likely benign based on ACMG/AMP sequence variant interpretation guidelines (Richards et al. 2015 PMID: 25741868, with internal and published modifications).

NM_173689.7(CRB2):c.3651G>A (p.Pro1217=)

Gene: CRB2 (crumbs cell polarity complex component 2; plus strand). Cytogenetic location: 9q33.3.
Variant type: single nucleotide variant.
Coding change: c.3651G>A on transcript NM_173689.7 (MANE Select); coding-DNA position 3651, G replaced by A.
Protein change: p.Pro1217=; no amino-acid change (proline 1217 retained).
Molecular consequence: synonymous variant. On other transcripts: non-coding transcript variant (1).
Genome position (GRCh38, 1-based): chr9:123,376,855, G>A. VCF-style: chr9-123376855-G-A. GRCh37 (hg19) VCF-style: chr9-126139134-G-A.
Identifiers: ClinVar variation 3031867 (VCV003031867.2), dbSNP rs201712752, ClinGen allele CA5232581.